The following is an entry in ClinVar:

NM_016284.5(CNOT1):c.6715A>T (p.Met2239Leu)

Gene: CNOT1 (CCR4-NOT transcription complex subunit 1; minus strand). Cytogenetic location: 16q21.
Variant type: single nucleotide variant.
Coding change: c.6715A>T on transcript NM_016284.5 (MANE Select); coding-DNA position 6715, A replaced by T.
Protein change: p.Met2239Leu; replaces methionine 2239 with leucine.
Molecular consequence: missense variant. On other transcripts: non-coding transcript variant (1).
Genome position (GRCh38, 1-based): chr16:58,525,248, T>A on the plus strand (A>T on the coding strand, the complement: CNOT1 is on the minus strand). VCF-style: chr16-58525248-T-A. GRCh37 (hg19) VCF-style: chr16-58559152-T-A.
Other names: c.6700A>T, p.Met2234Leu (NM_001265612.2); short protein forms M2234L, M2239L.
Identifiers: ClinVar variation 1703358 (VCV001703358.2), dbSNP rs748122432, ClinGen allele CA8088613.
Genomic context (GRCh38, chr16:58,525,248, plus strand): 5'-CCAAGTCCACAGCCAAATTCTGGAAGATATCCATGTGTGCTGAGTGAGTGATGGTGCTCA[T>A]TGAAGGTGTGCTGCCCTTGTTGTGGATGTGCGCAATGGCCTGAGTCCCGACATAGAGCAC-3'
Protein context (NP_057368.3, residues 2229-2249): HIHNKGSTPS[Met2239Leu]STITHSAHMD

ClinVar aggregate classification (germline): Uncertain significance (1 of 4 stars; one submission).

Allele frequency attached by ClinVar (database versions not stated): gnomAD exomes below 0.00001; ExAC 0.00001.
gnomAD v4.1: 2 of 1,614,034 alleles (0.00012%); highest among the groups gnomAD compares: Admixed American, 0.0033%; no homozygotes.

Submission:

GeneDx
Classification: Uncertain significance. Last evaluated: 2022-02-23. Review status: criteria provided, single submitter. Criteria: GeneDx Variant Classification Process June 2021. Collection method: clinical testing. Allele origin: germline. Affected: yes.
Comment: In silico analysis supports that this missense variant does not alter protein structure/function; Has not been previously published as pathogenic or benign to our knowledge